The following is an entry in ClinVar:

ClinVar aggregate classification (germline): Pathogenic (1 of 4 stars; one submission).

Submission:

GeneDx
Classification: Pathogenic. Last evaluated: 2015-06-10. Review status: criteria provided, single submitter. Criteria: GeneDx Variant Classification (06012015). Collection method: clinical testing. Allele origin: germline. Affected: yes.
Comment: The Q3551X nonsense variant in the DMD gene has been reported previously in association withDuchenne muscular dystrophy (Magri et al., 2011). This variant is predicted to cause loss of normalprotein function either through protein truncation or nonsense-mediated mRNA decay. The Q3551Xvariant was not observed in approximately 6,500 individuals of European and African American ancestryin the NHLBI Exome Sequencing Project, indicating it is not a common benign variant in thesepopulations. The Q3551X variant is considered pathogenic.

NM_004006.3(DMD):c.10651C>T (p.Gln3551Ter)

Gene: DMD (dystrophin; minus strand). Cytogenetic location: Xp21.2.
Variant type: single nucleotide variant.
Coding change: c.10651C>T on transcript NM_004006.3 (MANE Select); coding-DNA position 10651, C replaced by T.
Protein change: p.Gln3551Ter; replaces glutamine 3551 with a stop codon.
Molecular consequence: nonsense.
Genome position (GRCh38, 1-based): chrX:31,147,421, G>A on the plus strand (C>T on the coding strand, the complement: DMD is on the minus strand). VCF-style: chrX-31147421-G-A. GRCh37 (hg19) VCF-style: chrX-31165538-G-A.
Other names: c.10627C>T, p.Gln3543Ter (NM_000109.4); c.10639C>T, p.Gln3547Ter (NM_004009.3); c.10282C>T, p.Gln3428Ter (NM_004010.3); c.6628C>T, p.Gln2210Ter (NM_004011.4); c.6619C>T, p.Gln2207Ter (NM_004012.4); c.3271C>T, p.Gln1091Ter (NM_004013.3, NM_004021.3); c.2464C>T, p.Gln822Ter (NM_004014.3); c.1447C>T, p.Gln483Ter (NM_004015.3, NM_004016.3); and 3 more; short protein forms Q3551*, Q1078*, Q3543*, Q3428*, Q483*, Q1091*, Q2207*, Q2210*.
Identifiers: ClinVar variation 419240 (VCV000419240.2), dbSNP rs1064793742, ClinGen allele CA16621358.
Genomic context (GRCh38, chrX:31,147,421, plus strand): 5'-GGCCTTTGTGTTGACGCAGTAGCTTGGCCTCAGCAATGAGCTCAGCATCCCGGGGACTCT[G>A]GGGAGAGGTGGGCATCATTTCAGGAGGGGACGGCAGTGGGGACAGGCCTTTATGTTCGTG-3'